The following is an entry in ClinVar:

ClinVar aggregate classification (germline): Uncertain significance (1 of 4 stars; one submission).

Conditions:
Glycogen storage disease IXa1. Also called: LIVER GLYCOGENOSIS, X-LINKED, TYPE I; Glycogen storage disease 8; GLYCOGEN STORAGE DISEASE VIII; GSD VIII. Identifiers: Orphanet 264580, MedGen C3694531, MONDO:0010598, OMIM 306000.

gnomAD v4.1: 21 of 1,207,969 alleles (0.0017%); highest among the groups gnomAD compares: Non-Finnish European, 0.0022%; no homozygotes.

Submission:

Labcorp Genetics (formerly Invitae), Labcorp
Classification: Uncertain significance for Glycogen storage disease IXa1. Last evaluated: 2025-05-30. Review status: criteria provided, single submitter. Criteria: Invitae Variant Classification Sherloc (09022015). Collection method: clinical testing. Allele origin: germline.
Comment: This sequence change replaces leucine, which is neutral and non-polar, with phenylalanine, which is neutral and non-polar, at codon 915 of the PHKA2 protein (p.Leu915Phe). This variant is not present in population databases (gnomAD no frequency). This variant has not been reported in the literature in individuals affected with PHKA2-related conditions. Invitae Evidence Modeling of protein sequence and biophysical properties (such as structural, functional, and spatial information, amino acid conservation, physicochemical variation, residue mobility, and thermodynamic stability) indicates that this missense variant is expected to disrupt PHKA2 protein function with a positive predictive value of 80%. In summary, the available evidence is currently insufficient to determine the role of this variant in disease. Therefore, it has been classified as a Variant of Uncertain Significance.

NM_000292.3(PHKA2):c.2743C>T (p.Leu915Phe)

Gene: PHKA2 (phosphorylase kinase regulatory subunit alpha 2; minus strand). Cytogenetic location: Xp22.13.
Variant type: single nucleotide variant.
Coding change: c.2743C>T on transcript NM_000292.3 (MANE Select); coding-DNA position 2743, C replaced by T.
Protein change: p.Leu915Phe; replaces leucine 915 with phenylalanine.
Molecular consequence: missense variant.
Genome position (GRCh38, 1-based): chrX:18,906,558, G>A on the plus strand (C>T on the coding strand, the complement: PHKA2 is on the minus strand). VCF-style: chrX-18906558-G-A. GRCh37 (hg19) VCF-style: chrX-18924676-G-A.
Other names: c.2743C>T, p.Leu915Phe (NM_001440800.1, NM_001440801.1, NM_001440805.1); c.2644C>T, p.Leu882Phe (NM_001440802.1, NM_001440803.1, NM_001440804.1); short protein forms L915F, L882F.
Identifiers: ClinVar variation 4705194 (VCV004705194.1).